The following is an entry in ClinVar:

ClinVar aggregate classification (germline): Conflicting classifications of pathogenicity. Review status: criteria provided, conflicting classifications (1 of 4 stars). 2 submissions from 2 submitters: Uncertain significance (1); Likely benign (1). Last evaluated 2026-03-02.

Submissions (2):

Women's Health and Genetics/Laboratory Corporation of America, LabCorp
Classification: Likely benign. Last evaluated: 2026-03-02. Review status: criteria provided, single submitter. Criteria: LabCorp Variant Classification Summary - May 2015. Collection method: clinical testing. Allele origin: germline.

Labcorp Genetics (formerly Invitae), Labcorp
Classification: Uncertain significance. Last evaluated: 2023-07-25. Review status: criteria provided, single submitter. Criteria: Invitae Variant Classification Sherloc (09022015). Collection method: clinical testing. Allele origin: germline.
Comment: This sequence change affects codon 198 of the PAFAH1B1 mRNA. It is a 'silent' change, meaning that it does not change the encoded amino acid sequence of the PAFAH1B1 protein. This variant is not present in population databases (gnomAD no frequency). This variant has not been reported in the literature in individuals affected with PAFAH1B1-related conditions. Algorithms developed to predict the effect of sequence changes on RNA splicing suggest that this variant may create or strengthen a splice site. In summary, the available evidence is currently insufficient to determine the role of this variant in disease. Therefore, it has been classified as a Variant of Uncertain Significance.

NM_000430.4(PAFAH1B1):c.594A>G (p.Val198=)

Gene: PAFAH1B1 (platelet activating factor acetylhydrolase 1b regulatory subunit 1; plus strand). Cytogenetic location: 17p13.3.
Variant type: single nucleotide variant.
Coding change: c.594A>G on transcript NM_000430.4 (MANE Select); coding-DNA position 594, A replaced by G.
Protein change: p.Val198=; no amino-acid change (valine 198 retained).
Molecular consequence: synonymous variant.
Genome position (GRCh38, 1-based): chr17:2,672,680, A>G. VCF-style: chr17-2672680-A-G. GRCh37 (hg19) VCF-style: chr17-2575974-A-G.
Identifiers: ClinVar variation 2746468 (VCV002746468.4), dbSNP rs2544102494, ClinGen allele CA497425525.